The following is an entry in ClinVar:

ClinVar aggregate classification (germline): Uncertain significance (1 of 4 stars; one submission).

Conditions:
Long QT syndrome (LQTS). Identifiers: MedGen C0023976, MeSH D008133, MONDO:0002442. Disease mechanism: loss of function. Inheritance: Various modes of inheritance.

Submission:

Labcorp Genetics (formerly Invitae), Labcorp
Classification: Uncertain significance for Long QT syndrome. Last evaluated: 2023-12-20. Review status: criteria provided, single submitter. Criteria: Invitae Variant Classification Sherloc (09022015). Collection method: clinical testing. Allele origin: germline.
Comment: This sequence change replaces leucine, which is neutral and non-polar, with proline, which is neutral and non-polar, at codon 1127 of the KCNH2 protein (p.Leu1127Pro). This variant is not present in population databases (gnomAD no frequency). This variant has not been reported in the literature in individuals affected with KCNH2-related conditions. Algorithms developed to predict the effect of missense changes on protein structure and function output the following: SIFT: "Not Available"; PolyPhen-2: "Possibly Damaging"; Align-GVGD: "Not Available". The proline amino acid residue is found in multiple mammalian species, which suggests that this missense change does not adversely affect protein function. In summary, the available evidence is currently insufficient to determine the role of this variant in disease. Therefore, it has been classified as a Variant of Uncertain Significance.

NM_000238.4(KCNH2):c.3380T>C (p.Leu1127Pro)

Gene: KCNH2 (potassium voltage-gated channel subfamily H member 2; minus strand). Cytogenetic location: 7q36.1.
Variant type: single nucleotide variant.
Coding change: c.3380T>C on transcript NM_000238.4 (MANE Select); coding-DNA position 3380, T replaced by C.
Protein change: p.Leu1127Pro; replaces leucine 1127 with proline.
Molecular consequence: missense variant. On other transcripts: non-coding transcript variant (2).
Genome position (GRCh38, 1-based): chr7:150,945,465, A>G on the plus strand (T>C on the coding strand, the complement: KCNH2 is on the minus strand). VCF-style: chr7-150945465-A-G. GRCh37 (hg19) VCF-style: chr7-150642553-A-G.
Other names: c.3092T>C, p.Leu1031Pro (NM_001406753.1); c.2360T>C, p.Leu787Pro (NM_172057.3); short protein forms L1031P, L787P, L1127P.
Identifiers: ClinVar variation 2771836 (VCV002771836.3), dbSNP rs2485995062, ClinGen allele CA369851530.